The following is an entry in ClinVar:

NM_001377.3(DYNC2H1):c.12415C>T (p.Gln4139Ter)

Gene: DYNC2H1 (dynein cytoplasmic 2 heavy chain 1; plus strand). Cytogenetic location: 11q22.3.
Variant type: single nucleotide variant.
Coding change: c.12415C>T on transcript NM_001377.3 (MANE Select); coding-DNA position 12415, C replaced by T.
Protein change: p.Gln4139Ter; replaces glutamine 4139 with a stop codon.
Molecular consequence: nonsense.
Genome position (GRCh38, 1-based): chr11:103,435,991, C>T. VCF-style: chr11-103435991-C-T. GRCh37 (hg19) VCF-style: chr11-103306719-C-T.
Other names: c.12436C>T, p.Gln4146Ter (NM_001080463.2); short protein forms Q4139*, Q4146*.
Identifiers: ClinVar variation 2768532 (VCV002768532.4), dbSNP rs2497444581, ClinGen allele CA382289054.

ClinVar aggregate classification (germline): Pathogenic. Review status: criteria provided, multiple submitters, no conflicts (2 of 4 stars). 2 submissions from 2 submitters: Pathogenic (2). Last evaluated 2024-06-30.

Conditions:
Asphyxiating thoracic dystrophy 3. Also called: SHORT-RIB THORACIC DYSPLASIA 3 WITH OR WITHOUT POLYDACTYLY; POLYDACTYLY WITH NEONATAL CHONDRODYSTROPHY, TYPE I; SHORT-RIB THORACIC DYSPLASIA 3/6 WITH POLYDACTYLY, DIGENIC; Short rib polydactyly syndrome 2B; Saldino-Noonan Syndrome. Identifiers: Orphanet 474, Orphanet 93269, Orphanet 93270, Orphanet 93271, MedGen C0036069, MONDO:0013127, OMIM 613091.
Jeune thoracic dystrophy. Also called: Jeune syndrome; Infantile thoracic dystrophy; Thoracic pelvic phalangeal dystrophy; Jeune's syndrome; Chondroectodermal dysplasia-like syndrome; Short-rib thoracic dysplasia. Identifiers: Orphanet 474, MedGen C0265275, MONDO:0018770.

Submissions (2):

Myriad Genetics, Inc.
Classification: Pathogenic for Asphyxiating thoracic dystrophy 3. Last evaluated: 2024-06-30. Review status: criteria provided, single submitter. Criteria: Myriad Autosomal Dominant, Autosomal Recessive and X-Linked Classification Criteria (2023). Collection method: clinical testing. Allele origin: unknown.
Comment: NM_001377.2(DYNC2H1):c.12415C>T(Q4139*) is expected to be pathogenic in the context of DYNC2H1-related disorders. This variant is predicted to lead to an abnormal or absent protein product due to the creation of a premature termination codon in DYNC2H1, a gene where loss-of-function variants are known to be pathogenic. Please note: this variant was assessed in the context of healthy population screening.

Labcorp Genetics (formerly Invitae), Labcorp
Classification: Pathogenic for Jeune thoracic dystrophy. Last evaluated: 2023-06-20. Review status: criteria provided, single submitter. Criteria: Invitae Variant Classification Sherloc (09022015). Collection method: clinical testing. Allele origin: germline.
Comment: For these reasons, this variant has been classified as Pathogenic. This variant has not been reported in the literature in individuals affected with DYNC2H1-related conditions. This variant is not present in population databases (gnomAD no frequency). This sequence change creates a premature translational stop signal (p.Gln4146*) in the DYNC2H1 gene. It is expected to result in an absent or disrupted protein product. Loss-of-function variants in DYNC2H1 are known to be pathogenic (PMID: 23339108, 32753734).

Literature cited by the submitters: PubMed 23339108 (cited by Labcorp Genetics (formerly Invitae), Labcorp); PubMed 32753734 (cited by Labcorp Genetics (formerly Invitae), Labcorp).